The following is an entry in ClinVar:

NM_005560.6(LAMA5):c.2095C>T (p.Arg699Trp)

Gene: LAMA5 (laminin subunit alpha 5; minus strand). Cytogenetic location: 20q13.33.
Variant type: single nucleotide variant.
Coding change: c.2095C>T on transcript NM_005560.6 (MANE Select); coding-DNA position 2095, C replaced by T.
Protein change: p.Arg699Trp; replaces arginine 699 with tryptophan.
Molecular consequence: missense variant.
Genome position (GRCh38, 1-based): chr20:62,337,659, G>A on the plus strand (C>T on the coding strand, the complement: LAMA5 is on the minus strand). VCF-style: chr20-62337659-G-A. GRCh37 (hg19) VCF-style: chr20-60912715-G-A.
Other names: c.2095C>T (NM_005560.3); short protein forms R699W.
Identifiers: ClinVar variation 2890224 (VCV002890224.4), dbSNP rs148736840, ClinGen allele CA9943637.

ClinVar aggregate classification (germline): Uncertain significance. Review status: criteria provided, multiple submitters, no conflicts (2 of 4 stars). 2 submissions from 2 submitters: Uncertain significance (2). Last evaluated 2026-01-26.

Conditions:
Inborn genetic diseases. Identifiers: MedGen C0950123, MeSH D030342.

Allele frequency attached by ClinVar (database versions not stated): ExAC 0.00005; gnomAD 0.00007; ESP Exome Variant Server 0.00015; TOPMed 0.00005.

Submissions (2):

Labcorp Genetics (formerly Invitae), Labcorp
Classification: Uncertain significance. Last evaluated: 2026-01-26. Review status: criteria provided, single submitter. Criteria: Invitae Variant Classification Sherloc (09022015). Collection method: clinical testing. Allele origin: germline.
Comment: This sequence change replaces arginine, which is basic and polar, with tryptophan, which is neutral and slightly polar, at codon 699 of the LAMA5 protein (p.Arg699Trp). This variant is present in population databases (rs148736840, gnomAD 0.007%). This variant has not been reported in the literature in individuals affected with LAMA5-related conditions. ClinVar contains an entry for this variant (Variation ID: 2890224). An algorithm developed to predict the effect of missense changes on protein structure and function (PolyPhen-2) suggests that this variant is likely to be disruptive. In summary, the available evidence is currently insufficient to determine the role of this variant in disease. Therefore, it has been classified as a Variant of Uncertain Significance.

Ambry Genetics
Classification: Uncertain significance for Inborn genetic diseases. Last evaluated: 2023-12-12. Review status: criteria provided, single submitter. Criteria: Ambry Variant Classification Scheme 2023. Collection method: clinical testing. Allele origin: germline.